The following is an entry in ClinVar:

ClinVar aggregate classification (germline): Likely benign (1 of 4 stars; one submission).

Allele frequency attached by ClinVar (database versions not stated): TOPMed 0.00005; gnomAD exomes 0.00009; gnomAD 0.00012; ExAC 0.00018; 1000 Genomes Project 30x 0.00047; 1000 Genomes Project 0.00060.
gnomAD v4.1: 145 of 1,529,336 alleles (0.0095%); highest among the groups gnomAD compares: South Asian, 0.12%; no homozygotes.

Submission:

CeGaT Center for Human Genetics Tuebingen
Classification: Likely benign. Last evaluated: 2024-02-01. Review status: criteria provided, single submitter. Criteria: CeGaT Center For Human Genetics Tuebingen Variant Classification Criteria Version 2. Collection method: clinical testing. Allele origin: germline. Affected: yes. Observed: 2 variant alleles.
Comment: BRSK2: BP4, BP7

NM_001256627.2(BRSK2):c.91+21149C>T

Gene: BRSK2 (BR serine/threonine kinase 2; plus strand). Cytogenetic location: 11p15.5.
Variant type: single nucleotide variant.
Coding change: c.91+21149C>T on transcript NM_001256627.2 (MANE Select); 21149 bases into the intron after coding-DNA position 91, C replaced by T.
Molecular consequence: intron variant. On other transcripts: synonymous variant (1).
Genome position (GRCh38, 1-based): chr11:1,411,524, C>T. VCF-style: chr11-1411524-C-T. GRCh37 (hg19) VCF-style: chr11-1432754-C-T.
Other names: c.120C>T, p.Ala40= (NM_001256630.1); c.91+21149C>T (NM_001256629.2, NM_003957.4); c.-90+618C>T (NM_001282218.2).
Identifiers: ClinVar variation 2672439 (VCV002672439.23), dbSNP rs577481001, ClinGen allele CA5810312.